The following is an entry in ClinVar:

ClinVar aggregate classification (germline): Conflicting classifications of pathogenicity. Review status: criteria provided, conflicting classifications (1 of 4 stars). 2 submissions from 2 submitters: Uncertain significance (1); Likely benign (1). Last evaluated 2023-07-26.

gnomAD v4.1: 13 of 1,613,758 alleles (0.00081%); highest among the groups gnomAD compares: Non-Finnish European, 0.0011%; no homozygotes.

Submissions (2):

Labcorp Genetics (formerly Invitae), Labcorp
Classification: Uncertain significance. Last evaluated: 2023-07-26. Review status: criteria provided, single submitter. Criteria: Invitae Variant Classification Sherloc (09022015). Collection method: clinical testing. Allele origin: germline.
Comment: This variant is not present in population databases (gnomAD no frequency). In summary, the available evidence is currently insufficient to determine the role of this variant in disease. Therefore, it has been classified as a Variant of Uncertain Significance. An algorithm developed to predict the effect of missense changes on protein structure and function (PolyPhen-2) suggests that this variant is likely to be tolerated. This variant has not been reported in the literature in individuals affected with VCAN-related conditions. This sequence change replaces arginine, which is basic and polar, with leucine, which is neutral and non-polar, at codon 2523 of the VCAN protein (p.Arg2523Leu).

Blueprint Genetics
Classification: Likely benign. Last evaluated: 2022-11-19. Review status: criteria provided, single submitter. Criteria: ACMG Guidelines, 2015. Collection method: clinical testing. Allele origin: germline.

NM_004385.5(VCAN):c.7568G>T (p.Arg2523Leu)

Genes: VCAN (versican; plus strand), VCAN-AS1 (VCAN antisense RNA 1; minus strand). Cytogenetic location: 5q14.3.
Variant type: single nucleotide variant.
Coding change: c.7568G>T on transcript NM_004385.5 (MANE Select); coding-DNA position 7568, G replaced by T.
Protein change: p.Arg2523Leu; replaces arginine 2523 with leucine.
Molecular consequence: missense variant. On other transcripts: intron variant (2).
Genome position (GRCh38, 1-based): chr5:83,540,571, G>T. VCF-style: chr5-83540571-G-T. GRCh37 (hg19) VCF-style: chr5-82836390-G-T.
Other names: c.4607G>T, p.Arg1536Leu (NM_001164097.2); c.4004-4966G>T (NM_001164098.2); c.1043-4966G>T (NM_001126336.3); short protein forms R2523L, R1536L.
Identifiers: ClinVar variation 2869121 (VCV002869121.4), dbSNP rs139938317, ClinGen allele CA360315009.